The following is an entry in ClinVar:

NM_002878.4(RAD51D):c.946dup (p.Thr316fs)

Genes: RAD51L3-RFFL (RAD51L3-RFFL readthrough; minus strand), RAD51D (RAD51 paralog D; minus strand). Cytogenetic location: 17q12.
Variant type: Duplication.
Coding change: c.946dup on transcript NM_002878.4 (MANE Select); coding-DNA position 946, one base duplicated (A; older notation c.946dupA).
Protein change: p.Thr316fs; shifts the reading frame from threonine 316.
Molecular consequence: frameshift variant. On other transcripts: non-coding transcript variant (2).
Genome position (GRCh38, 1-based): chr17:35,100,994, T duplicated on the plus strand (A on the coding strand, the reverse complement: RAD51D is on the minus strand). VCF-style (leftmost placement, unchanged base first): chr17-35100993-G-GT. GRCh37 (hg19) VCF-style: chr17-33428012-G-GT.
Other names: c.946dupA (NM_002878.3); c.1006dup, p.Thr336fs (NM_001142571.2); c.610dup, p.Thr204fs (NM_133629.3); short protein forms T204fs, T316fs, T336fs.
Identifiers: ClinVar variation 490149 (VCV000490149.14), dbSNP rs1423695400, ClinGen allele CA625548750.

ClinVar aggregate classification (germline): Uncertain significance. Review status: criteria provided, multiple submitters, no conflicts (2 of 4 stars). 3 submissions from 3 submitters: Uncertain significance (3). Last evaluated 2025-02-20.

Conditions:
Hereditary cancer-predisposing syndrome. Also called: Hereditary Cancer Syndrome; Neoplastic Syndromes, Hereditary; Tumor predisposition; Hereditary neoplastic syndrome. Identifiers: Orphanet 140162, MedGen C0027672, MeSH D009386, MONDO:0015356.
Breast-ovarian cancer, familial, susceptibility to, 4. Identifiers: Orphanet 145, MedGen C3280345, MONDO:0013669, OMIM 614291.

Allele frequency attached by ClinVar (database versions not stated): gnomAD exomes below 0.00001; TOPMed below 0.00001.

Submissions (3):

Ambry Genetics
Classification: Uncertain significance for Hereditary cancer-predisposing syndrome. Last evaluated: 2025-02-20. Review status: criteria provided, single submitter. Criteria: Ambry Variant Classification Scheme 2023. Collection method: clinical testing. Allele origin: germline.
Comment: The c.946dupA variant, located in coding exon 10 of the RAD51D gene, results from a duplication of A at nucleotide position 946, causing a translational frameshift with a predicted alternate stop codon (p.T316Nfs*11). This alteration occurs at the 3' terminus of theRAD51D gene, is not expected to trigger nonsense-mediated mRNAdecay, and only impacts the last 13 amino acids (4%) of the protein. The exact functional effect of this alteration is unknown. Since supporting evidence is limited at this time, the clinical significance of this alteration remains unclear.

Color Diagnostics, LLC DBA Color Health
Classification: Uncertain significance for Hereditary cancer-predisposing syndrome. Last evaluated: 2023-10-04. Review status: criteria provided, single submitter. Criteria: ACMG Guidelines, 2015. Collection method: clinical testing. Allele origin: germline.
Comment: This variant inserts 1 nucleotide in exon 10 of the RAD51D gene, creating a frameshift and premature translation stop signal in the last exon. The mutant transcript is expected to escape nonsense-mediated decay and be expressed as a truncated protein. This variant is expected to disrupt the amino acid residues Thr316 through Thr328 of the RAD51D protein that encode the C-terminus of the ATPase domain (PMID: 14704354, 19327148, 21111057) and RAD51C interaction domain (PMID: 10749867, 14704354, 19327148). To our knowledge, functional studies have not been reported for this variant nor has this variant been reported in individuals affected with hereditary cancer in the literature. This variant has been identified in 1/251490 chromosomes in the general population by the Genome Aggregation Database (gnomAD). The available evidence is insufficient to determine the role of this variant in disease conclusively. Therefore, this variant is classified as a Variant of Uncertain Significance.

Labcorp Genetics (formerly Invitae), Labcorp
Classification: Uncertain significance for Breast-ovarian cancer, familial, susceptibility to, 4. Last evaluated: 2020-09-25. Review status: criteria provided, single submitter. Criteria: Invitae Variant Classification Sherloc (09022015). Collection method: clinical testing. Allele origin: germline.
Comment: In summary, the available evidence is currently insufficient to determine the role of this variant in disease. Therefore, it has been classified as a Variant of Uncertain Significance. Experimental studies and prediction algorithms are not available or were not evaluated, and the functional significance of this variant is currently unknown. This variant has not been reported in the literature in individuals with RAD51D-related conditions. ClinVar contains an entry for this variant (Variation ID: 490149). This variant is not present in population databases (ExAC no frequency). This sequence change results in a premature translational stop signal in the RAD51D gene (p.Thr316Asnfs*11). While this is not anticipated to result in nonsense mediated decay, it is expected to disrupt the last 13 amino acids of the RAD51D protein.

Literature cited by the submitters: PubMed 10749867 (cited by Color Diagnostics, LLC DBA Color Health); PubMed 14704354 (cited by Color Diagnostics, LLC DBA Color Health); PubMed 19327148 (cited by Color Diagnostics, LLC DBA Color Health); PubMed 21111057 (cited by Color Diagnostics, LLC DBA Color Health).